The following is an entry in ClinVar:

ClinVar aggregate classification (germline): Uncertain significance (1 of 4 stars; one submission).

Allele frequency attached by ClinVar (database versions not stated): gnomAD 0.00001; ExAC 0.00002; gnomAD exomes 0.00002; TOPMed 0.00003.
gnomAD v4.1: 30 of 1,613,952 alleles (0.0019%); highest among the groups gnomAD compares: Admixed American, 0.01%; no homozygotes.

Submission:

Labcorp Genetics (formerly Invitae), Labcorp
Classification: Uncertain significance. Last evaluated: 2021-08-03. Review status: criteria provided, single submitter. Criteria: Invitae Variant Classification Sherloc (09022015). Collection method: clinical testing. Allele origin: germline.
Comment: This sequence change replaces threonine with serine at codon 357 of the KIAA1161 protein (p.Thr357Ser). The threonine residue is moderately conserved and there is a small physicochemical difference between threonine and serine. This variant is present in population databases (rs749542221, ExAC 0.02%). This variant has not been reported in the literature in individuals affected with KIAA1161-related conditions. Algorithms developed to predict the effect of missense changes on protein structure and function are either unavailable or do not agree on the potential impact of this missense change (SIFT: "Tolerated"; PolyPhen-2: "Not Available"; Align-GVGD: "Class C0"). In summary, the available evidence is currently insufficient to determine the role of this variant in disease. Therefore, it has been classified as a Variant of Uncertain Significance.

NM_020702.5(MYORG):c.1069A>T (p.Thr357Ser)

Gene: MYORG (myogenesis regulating glycosidase; minus strand). Cytogenetic location: 9p13.3.
Variant type: single nucleotide variant.
Coding change: c.1069A>T on transcript NM_020702.5 (MANE Select); coding-DNA position 1069, A replaced by T.
Protein change: p.Thr357Ser; replaces threonine 357 with serine.
Molecular consequence: missense variant.
Genome position (GRCh38, 1-based): chr9:34,371,875, T>A on the plus strand (A>T on the coding strand, the complement: MYORG is on the minus strand). VCF-style: chr9-34371875-T-A. GRCh37 (hg19) VCF-style: chr9-34371873-T-A.
Other names: short protein forms T357S.
Identifiers: ClinVar variation 1681306 (VCV001681306.3), dbSNP rs749542221, ClinGen allele CA5033011.